The following is an entry in ClinVar:

NM_001375808.2(LPIN2):c.865A>G (p.Thr289Ala)

Gene: LPIN2 (lipin 2; minus strand). Cytogenetic location: 18p11.31.
Variant type: single nucleotide variant.
Coding change: c.865A>G on transcript NM_001375808.2 (MANE Select); coding-DNA position 865, A replaced by G.
Protein change: p.Thr289Ala; replaces threonine 289 with alanine.
Molecular consequence: missense variant.
Genome position (GRCh38, 1-based): chr18:2,937,995, T>C on the plus strand (A>G on the coding strand, the complement: LPIN2 is on the minus strand). VCF-style: chr18-2937995-T-C. GRCh37 (hg19) VCF-style: chr18-2937993-T-C.
Other names: c.865A>G, p.Thr289Ala (NM_001375809.1, NM_014646.2); short protein forms T289A.
Identifiers: ClinVar variation 2149732 (VCV002149732.4), dbSNP rs1350761996, ClinGen allele CA401706948.

ClinVar aggregate classification (germline): Uncertain significance (1 of 4 stars; one submission).

Conditions:
Majeed syndrome (MJDS). Also called: LPIN2-Related Majeed Syndrome; CHRONIC RECURRENT MULTIFOCAL OSTEOMYELITIS 1, WITH CONGENITAL DYSERYTHROPOIETIC ANEMIA, WITH OR WITHOUT NEUTROPHILIC DERMATOSIS. Identifiers: Orphanet 77297, MedGen C1864997, MONDO:0012316, OMIM 609628.

Allele frequency attached by ClinVar (database versions not stated): TOPMed below 0.00001.

Submission:

Labcorp Genetics (formerly Invitae), Labcorp
Classification: Uncertain significance for Majeed syndrome. Last evaluated: 2022-07-14. Review status: criteria provided, single submitter. Criteria: Invitae Variant Classification Sherloc (09022015). Collection method: clinical testing. Allele origin: germline.
Comment: In summary, the available evidence is currently insufficient to determine the role of this variant in disease. Therefore, it has been classified as a Variant of Uncertain Significance. Algorithms developed to predict the effect of missense changes on protein structure and function (SIFT, PolyPhen-2, Align-GVGD) all suggest that this variant is likely to be tolerated. This variant has not been reported in the literature in individuals affected with LPIN2-related conditions. This variant is not present in population databases (gnomAD no frequency). This sequence change replaces threonine, which is neutral and polar, with alanine, which is neutral and non-polar, at codon 289 of the LPIN2 protein (p.Thr289Ala).